The following is an entry in ClinVar:

NM_145262.4(GLYCTK):c.515T>C (p.Leu172Pro)

Gene: GLYCTK (glycerate kinase; plus strand). Cytogenetic location: 3p21.2.
Variant type: single nucleotide variant.
Coding change: c.515T>C on transcript NM_145262.4 (MANE Select); coding-DNA position 515, T replaced by C.
Protein change: p.Leu172Pro; replaces leucine 172 with proline.
Molecular consequence: missense variant. On other transcripts: non-coding transcript variant (4).
Genome position (GRCh38, 1-based): chr3:52,291,097, T>C. VCF-style: chr3-52291097-T-C. GRCh37 (hg19) VCF-style: chr3-52325113-T-C.
Other names: c.515T>C, p.Leu172Pro (NM_001144951.2); short protein forms L172P.
Identifiers: ClinVar variation 2637131 (VCV002637131.2), dbSNP rs2471080564, ClinGen allele CA353071318.

ClinVar aggregate classification (germline): Uncertain significance. Review status: criteria provided, multiple submitters, no conflicts (2 of 4 stars). 2 submissions from 2 submitters: Uncertain significance (2). Last evaluated 2026-02-11.

Conditions:
GLYCTK-related disorder. Also called: GLYCTK-related condition.

Submissions (2):

GeneDx
Classification: Uncertain significance. Last evaluated: 2026-02-11. Review status: criteria provided, single submitter. Criteria: GeneDx Variant Classification Process June 2021. Collection method: clinical testing. Allele origin: germline.
Comment: Not observed at significant frequency in large population cohorts (gnomAD); In silico analysis supports that this missense variant has a deleterious effect on protein structure/function; Has not been previously published as pathogenic or benign to our knowledge

PreventionGenetics, part of Exact Sciences
Classification: Uncertain significance for GLYCTK-related condition. Last evaluated: 2022-11-04. Review status: criteria provided, single submitter. Criteria: ACMG Guidelines, 2015. Collection method: clinical testing. Allele origin: germline.
Comment: The GLYCTK c.515T>C variant is predicted to result in the amino acid substitution p.Leu172Pro. To our knowledge, this variant has not been reported in the literature or in a large population database, indicating this variant is rare. At this time, the clinical significance of this variant is uncertain due to the absence of conclusive functional and genetic evidence.